The following is an entry in ClinVar:

ClinVar aggregate classification (germline): Likely pathogenic (1 of 4 stars; one submission).

Conditions:
DEAF1-related disorder.

Submission:

PreventionGenetics, part of Exact Sciences
Classification: Likely pathogenic for DEAF1-related condition. Last evaluated: 2023-06-08. Review status: criteria provided, single submitter. Criteria: ACMG Guidelines, 2015. Collection method: clinical testing. Allele origin: germline.
Comment: The DEAF1 c.683T>C variant is predicted to result in the amino acid substitution p.Ile228Thr. This variant was reported to occur de novo in an individual with infantile spasms, seizures refractory to therapy, and moderate to severe intellectual disability (Supplementary Tables, Nabais et al. 2019. PubMed ID: 30923367). A different missense variant impacting the same residue (p.Ile228Ser) has been reported in an individual with an intellectual disability phenotype (Vissers et al. 2010. PubMed ID: 21076407). This variant has not been reported in a large population database, indicating this variant is rare. This variant is interpreted as likely pathogenic.

NM_021008.4(DEAF1):c.683T>C (p.Ile228Thr)

Gene: DEAF1 (DEAF1 transcription factor; minus strand). Cytogenetic location: 11p15.5.
Variant type: single nucleotide variant.
Coding change: c.683T>C on transcript NM_021008.4 (MANE Select); coding-DNA position 683, T replaced by C.
Protein change: p.Ile228Thr; replaces isoleucine 228 with threonine.
Molecular consequence: missense variant. On other transcripts: 5 prime UTR variant (4), intron variant (1).
Genome position (GRCh38, 1-based): chr11:686,979, A>G on the plus strand (T>C on the coding strand, the complement: DEAF1 is on the minus strand). VCF-style: chr11-686979-A-G. GRCh37 (hg19) VCF-style: chr11-686979-A-G.
Other names: c.-44T>C (NM_001367390.1, NM_001440885.1, NM_001440886.1 and 1 more transcripts); c.683T>C, p.Ile228Thr (NM_001440883.1, NM_001440884.1); c.664+932T>C (NM_001293634.2); short protein forms I228T.
Identifiers: ClinVar variation 2632559 (VCV002632559.1), dbSNP rs587777406, ClinGen allele CA378932849.
Genomic context (GRCh38, chr11:686,979, plus strand): 5'-CTGGCTCTTCCTGCCATGGCCTCAAACTCGGTGGGACTGTACCAGTTCTCCCCCTGCTTG[A>G]TGCACCGTCCCCGGCCGCCTGCAAGGAAGGGCAGCAGTCATGATGATGGCAGGTGGGAAC-3'
Protein context (NP_066288.2, residues 218-238): RLGSGGRGRC[Ile228Thr]KQGENWYSPT